The following is an entry in ClinVar:

ClinVar aggregate classification (germline): Uncertain significance. Review status: criteria provided, multiple submitters, no conflicts (2 of 4 stars). 2 submissions from 2 submitters: Uncertain significance (2). Last evaluated 2024-09-04.

Submissions (2):

Labcorp Genetics (formerly Invitae), Labcorp
Classification: Uncertain significance. Last evaluated: 2024-09-04. Review status: criteria provided, single submitter. Criteria: Invitae Variant Classification Sherloc (09022015). Collection method: clinical testing. Allele origin: germline.
Comment: This sequence change replaces proline, which is neutral and non-polar, with threonine, which is neutral and polar, at codon 493 of the FRMD7 protein (p.Pro493Thr). This variant is not present in population databases (gnomAD no frequency). This variant has not been reported in the literature in individuals affected with FRMD7-related conditions. An algorithm developed to predict the effect of missense changes on protein structure and function (PolyPhen-2) suggests that this variant is likely to be disruptive. In summary, the available evidence is currently insufficient to determine the role of this variant in disease. Therefore, it has been classified as a Variant of Uncertain Significance.

Blueprint Genetics
Classification: Uncertain significance. Last evaluated: 2019-07-03. Review status: criteria provided, single submitter. Criteria: ACMG Guidelines, 2015. Collection method: clinical testing. Allele origin: germline.

NM_194277.3(FRMD7):c.1477C>A (p.Pro493Thr)

Gene: FRMD7 (FERM domain containing 7; minus strand). Cytogenetic location: Xq26.2.
Variant type: single nucleotide variant.
Coding change: c.1477C>A on transcript NM_194277.3 (MANE Select); coding-DNA position 1477, C replaced by A.
Protein change: p.Pro493Thr; replaces proline 493 with threonine.
Molecular consequence: missense variant.
Genome position (GRCh38, 1-based): chrX:132,078,540, G>T on the plus strand (C>A on the coding strand, the complement: FRMD7 is on the minus strand). VCF-style: chrX-132078540-G-T. GRCh37 (hg19) VCF-style: chrX-131212568-G-T.
Other names: c.1432C>A, p.Pro478Thr (NM_001306193.2); short protein forms P493T, P478T.
Identifiers: ClinVar variation 3693156 (VCV003693156.3).